The following is an entry in ClinVar:

NM_001999.4(FBN2):c.1990A>T (p.Thr664Ser)

Gene: FBN2 (fibrillin 2; minus strand). Cytogenetic location: 5q23.3.
Variant type: single nucleotide variant.
Coding change: c.1990A>T on transcript NM_001999.4 (MANE Select); coding-DNA position 1990, A replaced by T.
Protein change: p.Thr664Ser; replaces threonine 664 with serine.
Molecular consequence: missense variant.
Genome position (GRCh38, 1-based): chr5:128,374,733, T>A on the plus strand (A>T on the coding strand, the complement: FBN2 is on the minus strand). VCF-style: chr5-128374733-T-A. GRCh37 (hg19) VCF-style: chr5-127710426-T-A.
Other names: c.1990A>T (NM_001999.3); short protein forms T664S.
Identifiers: ClinVar variation 1328501 (VCV001328501.11), dbSNP rs746408145, ClinGen allele CA360740554.

ClinVar aggregate classification (germline): Uncertain significance. Review status: criteria provided, multiple submitters, no conflicts (2 of 4 stars). 4 submissions from 4 submitters: Uncertain significance (2). 2 of the submissions do not count toward it. Last evaluated 2024-10-05.

Conditions:
Familial thoracic aortic aneurysm and aortic dissection (TAAD). Also called: Thoracic aortic aneurysms and dissections. Identifiers: Orphanet 91387, MedGen C4707243, MONDO:0019625.
Congenital contractural arachnodactyly (CCA). Also called: Beals-Hecht syndrome; BEALS SYNDROME; Arthrogryposis, distal, type 9. Identifiers: Orphanet 115, MedGen C0220668, MONDO:0007363, OMIM 121050.

Allele frequency attached by ClinVar (database versions not stated): TOPMed below 0.00001; gnomAD 0.00002.
gnomAD v4.1: 11 of 1,613,800 alleles (0.00068%); highest among the groups gnomAD compares: Non-Finnish European, 0.00085%; no homozygotes.

Submissions (4):

Ambry Genetics
Classification: Uncertain significance for Familial thoracic aortic aneurysm and aortic dissection. Last evaluated: 2024-10-05. Review status: criteria provided, single submitter. Criteria: Ambry Variant Classification Scheme 2023. Collection method: clinical testing. Allele origin: germline.
Comment: The p.T664S variant (also known as c.1990A>T), located in coding exon 15 of the FBN2 gene, results from an A to T substitution at nucleotide position 1990. The threonine at codon 664 is replaced by serine, an amino acid with similar properties. This variant has been reported in an individual in a suspected heritable thoracic aortic disorders cohort, but clinical details were limited, and an individual with aortic aneurysm (Overwater E et al. Hum Mutat, 2018 Sep;39:1173-1192; Ambry internal data). This amino acid position is highly conserved in available vertebrate species. In addition, the in silico prediction for this alteration is inconclusive. Based on the available evidence, the clinical significance of this variant remains unclear.

Labcorp Genetics (formerly Invitae), Labcorp
Classification: Uncertain significance for Congenital contractural arachnodactyly. Last evaluated: 2022-12-03. Review status: criteria provided, single submitter. Criteria: Invitae Variant Classification Sherloc (09022015). Collection method: clinical testing. Allele origin: germline.
Comment: In summary, the available evidence is currently insufficient to determine the role of this variant in disease. Therefore, it has been classified as a Variant of Uncertain Significance. Advanced modeling of protein sequence and biophysical properties (such as structural, functional, and spatial information, amino acid conservation, physicochemical variation, residue mobility, and thermodynamic stability) performed at Invitae indicates that this missense variant is not expected to disrupt FBN2 protein function. ClinVar contains an entry for this variant (Variation ID: 1328501). This missense change has been observed in individual(s) with clinical features of a heritable thoracic aortic disorder (PMID: 29907982). This variant is present in population databases (no rsID available, gnomAD 0.0009%). This sequence change replaces threonine, which is neutral and polar, with serine, which is neutral and polar, at codon 664 of the FBN2 protein (p.Thr664Ser).

Clinical Genetics DNA and cytogenetics Diagnostics Lab, Erasmus MC, Erasmus Medical Center
Classification: Uncertain significance. Review status: no assertion criteria provided. Collection method: clinical testing. Allele origin: germline. Affected: yes. Study: VKGL Data-share Consensus. Not counted in ClinVar's aggregate classification.

Joint Genome Diagnostic Labs from Nijmegen and Maastricht, Radboudumc and MUMC+
Classification: Uncertain significance. Review status: no assertion criteria provided. Collection method: clinical testing. Allele origin: germline. Affected: yes. Study: VKGL Data-share Consensus. Not counted in ClinVar's aggregate classification.

Literature cited by the submitters: PubMed 29907982 (cited by Ambry Genetics and Labcorp Genetics (formerly Invitae), Labcorp).